The following is an entry in ClinVar:

NM_001377.3(DYNC2H1):c.2338del (p.Thr780fs)

Gene: DYNC2H1 (dynein cytoplasmic 2 heavy chain 1; plus strand). Cytogenetic location: 11q22.3.
Variant type: Deletion.
Coding change: c.2338del on transcript NM_001377.3 (MANE Select); coding-DNA position 2338, one base deleted (A; older notation c.2338delA).
Protein change: p.Thr780fs; shifts the reading frame from threonine 780.
Molecular consequence: frameshift variant.
Genome position (GRCh38, 1-based): chr11:103,135,627, A deleted; the last of 2 consecutive A bases (chr11:103,135,626-103,135,627); deleting either gives the same sequence. VCF-style (leftmost placement, unchanged base first): chr11-103135625-TA-T. GRCh37 (hg19) VCF-style: chr11-103006354-TA-T.
Other names: c.2338del, p.Thr780fs (NM_001080463.2); short protein forms T780fs.
Identifiers: ClinVar variation 5014230 (VCV005014230.1).

ClinVar aggregate classification (germline): Pathogenic (1 of 4 stars; one submission).

Conditions:
Asphyxiating thoracic dystrophy 3. Also called: Saldino-Noonan Syndrome; SHORT-RIB THORACIC DYSPLASIA 3 WITH OR WITHOUT POLYDACTYLY; POLYDACTYLY WITH NEONATAL CHONDRODYSTROPHY, TYPE I; SHORT-RIB THORACIC DYSPLASIA 3/6 WITH POLYDACTYLY, DIGENIC; Short rib polydactyly syndrome 2B. Identifiers: Orphanet 474, Orphanet 93269, Orphanet 93270, Orphanet 93271, MedGen C0036069, MONDO:0013127, OMIM 613091.

Submission:

Myriad Genetics, Inc.
Classification: Pathogenic for Asphyxiating thoracic dystrophy 3. Last evaluated: 2025-03-19. Review status: criteria provided, single submitter. Criteria: Myriad Autosomal Dominant, Autosomal Recessive and X-Linked Classification Criteria (2023). Collection method: clinical testing. Allele origin: unknown.
Comment: NM_001377.2(DYNC2H1):c.2338delA(T780Lfs*24) is expected to be pathogenic in the context of DYNC2H1-related disorders. This variant is predicted to lead to an abnormal or absent protein product due to the creation of a premature termination codon in DYNC2H1, a gene where loss-of-function variants are known to be pathogenic. Please note: this variant was assessed in the context of healthy population screening.